The following is an entry in ClinVar:

NM_001191061.2(SLC25A22):c.146+20G>A

Gene: SLC25A22 (solute carrier family 25 member 22; minus strand). Cytogenetic location: 11p15.5.
Variant type: single nucleotide variant.
Coding change: c.146+20G>A on transcript NM_001191061.2 (MANE Select); 20 bases into the intron after coding-DNA position 146, G replaced by A.
Molecular consequence: intron variant.
Genome position (GRCh38, 1-based): chr11:794,756, C>T on the plus strand (G>A on the coding strand, the complement: SLC25A22 is on the minus strand). VCF-style: chr11-794756-C-T. GRCh37 (hg19) VCF-style: chr11-794756-C-T.
Other names: c.146+20G>A (NM_001191060.2, NM_024698.6).
Identifiers: ClinVar variation 392377 (VCV000392377.11), dbSNP rs533314464, ClinGen allele CA5789383.

ClinVar aggregate classification (germline): Likely benign. Review status: criteria provided, multiple submitters, no conflicts (2 of 4 stars). 2 submissions from 2 submitters: Likely benign (2). Last evaluated 2025-05-05.

Conditions:
Early-infantile DEE. Also called: Ohtahara syndrome; Early infantile epileptic encephalopathy; Early infantile epileptic encephalopathy with suppression bursts. Identifiers: Orphanet 1934, MedGen C0393706, MONDO:0800491.

Allele frequency attached by ClinVar (database versions not stated): gnomAD 0.00001; 1000 Genomes Project 30x 0.00016; 1000 Genomes Project 0.00020.
gnomAD v4.1: 25 of 1,593,242 alleles (0.0016%); highest among the groups gnomAD compares: Middle Eastern, 0.087%; no homozygotes.

Submissions (2):

Labcorp Genetics (formerly Invitae), Labcorp
Classification: Likely benign for Early-infantile DEE. Last evaluated: 2025-05-05. Review status: criteria provided, single submitter. Criteria: Invitae Variant Classification Sherloc (09022015). Collection method: clinical testing. Allele origin: germline.

GeneDx
Classification: Likely benign. Last evaluated: 2017-01-03. Review status: criteria provided, single submitter. Criteria: GeneDx Variant Classification (06012015). Collection method: clinical testing. Allele origin: germline. Affected: yes.
Comment: This variant is considered likely benign or benign based on one or more of the following criteria: it is a conservative change, it occurs at a poorly conserved position in the protein, it is predicted to be benign by multiple in silico algorithms, and/or has population frequency not consistent with disease.